The following is an entry in ClinVar:

NM_004714.3(DYRK1B):c.954+6C>T

Gene: DYRK1B (dual specificity tyrosine phosphorylation regulated kinase 1B; minus strand). Cytogenetic location: 19q13.2.
Variant type: single nucleotide variant.
Coding change: c.954+6C>T on transcript NM_004714.3 (MANE Select); 6 bases into the intron after coding-DNA position 954, C replaced by T.
Molecular consequence: intron variant.
Genome position (GRCh38, 1-based): chr19:39,827,504, G>A on the plus strand (C>T on the coding strand, the complement: DYRK1B is on the minus strand). VCF-style: chr19-39827504-G-A. GRCh37 (hg19) VCF-style: chr19-40318144-G-A.
Other names: c.954+6C>T (NM_006483.3, NM_006484.3).
Identifiers: ClinVar variation 4992492 (VCV004992492.1).

ClinVar aggregate classification (germline): Likely benign (1 of 4 stars; one submission).

Conditions:
DYRK1B-related disorder. Also called: DYRK1B-related condition.

gnomAD v4.1: 1 of 1,613,252 alleles (0.000062%); highest among the groups gnomAD compares: Non-Finnish European, 0.000085%; no homozygotes.

Submission:

PreventionGenetics, part of Exact Sciences
Classification: Likely benign for DYRK1B-related condition. Last evaluated: 2026-02-06. Review status: criteria provided, single submitter. Criteria: ACMG Guidelines, 2015. Collection method: clinical testing. Allele origin: germline.
Comment: This variant is classified as likely benign based on ACMG/AMP sequence variant interpretation guidelines (Richards et al. 2015 PMID: 25741868, with internal and published modifications).